The following is an entry in ClinVar:

NM_014055.4(IFT81):c.1057C>T (p.Arg353Cys)

Gene: IFT81 (intraflagellar transport 81; plus strand). Cytogenetic location: 12q24.11.
Variant type: single nucleotide variant.
Coding change: c.1057C>T on transcript NM_014055.4 (MANE Select); coding-DNA position 1057, C replaced by T.
Protein change: p.Arg353Cys; replaces arginine 353 with cysteine.
Molecular consequence: missense variant. On other transcripts: non-coding transcript variant (4).
Genome position (GRCh38, 1-based): chr12:110,162,934, C>T. VCF-style: chr12-110162934-C-T. GRCh37 (hg19) VCF-style: chr12-110600739-C-T.
Other names: c.1057C>T, p.Arg353Cys (NM_001143779.2, NM_001347946.2, NM_031473.4); c.127C>T, p.Arg43Cys (NM_001347947.2, NM_001347948.2); short protein forms R353C, R43C.
Identifiers: ClinVar variation 1001929 (VCV001001929.6), dbSNP rs761364715, ClinGen allele CA6783264.
Genomic context (GRCh38, chr12:110,162,934, plus strand): 5'-TTGATTGTATATCTTATTATACCTTCATATTTAATGCTCAATCAGGCATCTATCATTTCC[C>T]GTAAAAAAGAAGCCAAAGCTGAGGAACTTCAGGAGGCCAAGGAGAAGTTAGCCAGCCTAG-3'
Protein context (NP_054774.2, residues 343-363): LYRQQASIIS[Arg353Cys]KKEAKAEELQ

ClinVar aggregate classification (germline): Uncertain significance (1 of 4 stars; one submission).

Allele frequency attached by ClinVar (database versions not stated): TOPMed 0.00001; gnomAD exomes 0.00002 and 0.00004; ExAC 0.00004; gnomAD 0.00004 and 0.00005.
gnomAD v4.1: 43 of 1,611,734 alleles (0.0027%); highest among the groups gnomAD compares: East Asian, 0.0022%; no homozygotes.

Submission:

Labcorp Genetics (formerly Invitae), Labcorp
Classification: Uncertain significance. Last evaluated: 2022-07-21. Review status: criteria provided, single submitter. Criteria: Invitae Variant Classification Sherloc (09022015). Collection method: clinical testing. Allele origin: germline.
Comment: This sequence change replaces arginine, which is basic and polar, with cysteine, which is neutral and slightly polar, at codon 353 of the IFT81 protein (p.Arg353Cys). This variant is present in population databases (rs761364715, gnomAD 0.04%). This variant has not been reported in the literature in individuals affected with IFT81-related conditions. ClinVar contains an entry for this variant (Variation ID: 1001929). Algorithms developed to predict the effect of missense changes on protein structure and function are either unavailable or do not agree on the potential impact of this missense change (SIFT: "Deleterious"; PolyPhen-2: "Probably Damaging"; Align-GVGD: "Class C0"). In summary, the available evidence is currently insufficient to determine the role of this variant in disease. Therefore, it has been classified as a Variant of Uncertain Significance.